The following is an entry in ClinVar:

ClinVar aggregate classification (germline): Likely pathogenic (1 of 4 stars; one submission).

gnomAD v4.1: 1 of 1,612,498 alleles (0.000062%); no homozygotes.

Submission:

GeneDx
Classification: Likely pathogenic. Last evaluated: 2025-05-16. Review status: criteria provided, single submitter. Criteria: GeneDx Variant Classification Process June 2021. Collection method: clinical testing. Allele origin: germline.
Comment: Not observed at significant frequency in large population cohorts (gnomAD); In silico analysis supports that this missense variant has a deleterious effect on protein structure/function; Has not been previously published as pathogenic or benign to our knowledge

NM_001077415.3(CRELD1):c.314G>A (p.Cys105Tyr)

Gene: CRELD1 (CRELD disulfide isomerase 1; plus strand). Cytogenetic location: 3p25.3.
Variant type: single nucleotide variant.
Coding change: c.314G>A on transcript NM_001077415.3 (MANE Select); coding-DNA position 314, G replaced by A.
Protein change: p.Cys105Tyr; replaces cysteine 105 with tyrosine.
Molecular consequence: missense variant. On other transcripts: non-coding transcript variant (3).
Genome position (GRCh38, 1-based): chr3:9,937,618, G>A. VCF-style: chr3-9937618-G-A. GRCh37 (hg19) VCF-style: chr3-9979302-G-A.
Other names: c.314G>A, p.Cys105Tyr (NM_001031717.4, NM_001374316.1, NM_001374317.1 and 5 more transcripts); short protein forms C105Y.
Identifiers: ClinVar variation 3897204 (VCV003897204.2).
Genomic context (GRCh38, chr3:9,937,618, plus strand): 5'-TCAGTGAGACCCGCCTGGTAGAGGTGCTGGAGGGTGTGTGCAGCAAGTCAGACTTCGAGT[G>A]CCACCGCCTGCTGGAGCTGAGTGAGGAGCTGGTGGAGAGCTGGTGGTTTCACAAGTGAGT-3'
Protein context (NP_001070883.2, residues 95-115): EGVCSKSDFE[Cys105Tyr]HRLLELSEEL